The following is an entry in ClinVar:

ClinVar aggregate classification (germline): Conflicting classifications of pathogenicity. Review status: criteria provided, conflicting classifications (1 of 4 stars). 3 submissions from 3 submitters: Uncertain significance (1); Benign (1); Likely benign (1). Last evaluated 2026-01-19.

Conditions:
Early-infantile DEE. Also called: Ohtahara syndrome; Early infantile epileptic encephalopathy; Early infantile epileptic encephalopathy with suppression bursts. Identifiers: Orphanet 1934, MedGen C0393706, MONDO:0800491.
Early Myoclonic Encephalopathy. Identifiers: MedGen C0270855.

Allele frequency attached by ClinVar (database versions not stated): TOPMed 0.00056; 1000 Genomes Project 0.00080; 1000 Genomes Project 30x 0.00078; ESP Exome Variant Server 0.00085; gnomAD 0.00041.
gnomAD v4.1: 113 of 1,612,956 alleles (0.007%); highest among the groups gnomAD compares: African/African-American, 0.14%; no homozygotes.

Submissions (3):

Labcorp Genetics (formerly Invitae), Labcorp
Classification: Likely benign for Early-infantile DEE. Last evaluated: 2026-01-19. Review status: criteria provided, single submitter. Criteria: Invitae Variant Classification Sherloc (09022015). Collection method: clinical testing. Allele origin: germline.

Illumina Laboratory Services, Illumina
Classification: Uncertain significance for Developmental and epileptic encephalopathy, 3. Last evaluated: 2018-01-12. Review status: criteria provided, single submitter. Criteria: ICSL Variant Classification Criteria 13 December 2019. Collection method: clinical testing. Allele origin: germline.

GeneDx
Classification: Benign. Last evaluated: 2014-02-05. Review status: criteria provided, single submitter. Criteria: GeneDx Variant Classification (06012015). Collection method: clinical testing. Allele origin: germline. Affected: yes.
Comment: This variant is considered likely benign or benign based on one or more of the following criteria: it is a conservative change, it occurs at a poorly conserved position in the protein, it is predicted to be benign by multiple in silico algorithms, and/or has population frequency not consistent with disease.

NM_001191061.2(SLC25A22):c.743-12C>T

Gene: SLC25A22 (solute carrier family 25 member 22; minus strand). Cytogenetic location: 11p15.5.
Variant type: single nucleotide variant.
Coding change: c.743-12C>T on transcript NM_001191061.2 (MANE Select); 12 bases into the intron before coding-DNA position 743, C replaced by T.
Molecular consequence: intron variant.
Genome position (GRCh38, 1-based): chr11:792,229, G>A on the plus strand (C>T on the coding strand, the complement: SLC25A22 is on the minus strand). VCF-style: chr11-792229-G-A. GRCh37 (hg19) VCF-style: chr11-792229-G-A.
Other names: c.743-12C>T (NM_001191060.2, NM_024698.6).
Identifiers: ClinVar variation 139144 (VCV000139144.13), dbSNP rs200517971, ClinGen allele CA293526.